The following is an entry in ClinVar:

ClinVar aggregate classification (germline): Benign (1 of 4 stars; one submission).

Allele frequency attached by ClinVar (database versions not stated): gnomAD exomes below 0.00001; ExAC 0.05169.
gnomAD v4.1: 2 of 1,613,932 alleles (0.00012%); highest among the groups gnomAD compares: Non-Finnish European, 0.00017%; no homozygotes.

Submission:

Laboratory for Molecular Medicine, Mass General Brigham Personalized Medicine
Classification: Benign. Last evaluated: 2016-03-28. Review status: criteria provided, single submitter. Criteria: LMM Criteria. Collection method: clinical testing. Allele origin: germline.
Comment: Variant identified in a genome or exome case(s) and assessed due to predicted null impact of the variant or pathogenic assertions in the literature or databases. Disclaimer: This variant has not undergone full assessment. The following are preliminary notes: Fails quality filter; no convincing gene-disease relationship

NM_001170.3(AQP7):c.650T>A (p.Leu217His)

Gene: AQP7 (aquaporin 7; minus strand). Cytogenetic location: 9p13.3.
Variant type: single nucleotide variant.
Coding change: c.650T>A on transcript NM_001170.3 (MANE Select); coding-DNA position 650, T replaced by A.
Protein change: p.Leu217His; replaces leucine 217 with histidine.
Molecular consequence: missense variant. On other transcripts: non-coding transcript variant (5).
Genome position (GRCh38, 1-based): chr9:33,385,742, A>T on the plus strand (T>A on the coding strand, the complement: AQP7 is on the minus strand). VCF-style: chr9-33385742-A-T. GRCh37 (hg19) VCF-style: chr9-33385740-A-T.
Other names: c.479T>A, p.Leu160His (NM_001318156.2); c.647T>A, p.Leu216His (NM_001318157.2); c.650T>A, p.Leu217His (NM_001318158.2, NM_001376191.1, NM_001376192.1 and 1 more transcripts); short protein forms L217H, L216H, L160H.
Identifiers: ClinVar variation 402385 (VCV000402385.4), dbSNP rs201773300, ClinGen allele CA5025808.